The following is an entry in ClinVar:

NM_006767.4(LZTR1):c.1260+4T>A

Gene: LZTR1 (leucine zipper like post translational regulator 1; plus strand). Cytogenetic location: 22q11.21.
Variant type: single nucleotide variant.
Coding change: c.1260+4T>A on transcript NM_006767.4 (MANE Select); 4 bases into the intron after coding-DNA position 1260, T replaced by A.
Molecular consequence: intron variant.
Genome position (GRCh38, 1-based): chr22:20,992,908, T>A. VCF-style: chr22-20992908-T-A. GRCh37 (hg19) VCF-style: chr22-21347197-T-A.
Identifiers: ClinVar variation 1762884 (VCV001762884.3), dbSNP rs2518619009, ClinGen allele CA2580099243.
Genomic context (GRCh38, chr22:20,992,908, plus strand): 5'-ATCTTCGGGGGCACGGTGGACAACAACATCCGCAGCGGGGAGATGTACAGGTTCCAGGTG[T>A]GGGGCCTGTGGGCCTGTAGAGCCGGCTGGGTGGACGGATCCCCCGTGATGAGAAACTGAG-3'

ClinVar aggregate classification (germline): Uncertain significance (1 of 4 stars; one submission).

Conditions:
Cardiovascular phenotype. Identifiers: MedGen CN230736.
Hereditary cancer-predisposing syndrome. Also called: Neoplastic Syndromes, Hereditary; Tumor predisposition; Hereditary Cancer Syndrome; Hereditary neoplastic syndrome. Identifiers: Orphanet 140162, MedGen C0027672, MeSH D009386, MONDO:0015356.

Submission:

Ambry Genetics
Classification: Uncertain significance for Cardiovascular phenotype; Hereditary cancer-predisposing syndrome. Last evaluated: 2024-12-03. Review status: criteria provided, single submitter. Criteria: Ambry Variant Classification Scheme 2023. Collection method: clinical testing. Allele origin: germline.
Comment: The c.1260+4T>A intronic variant results from a T to A substitution 4 nucleotides after coding exon 11 in the LZTR1 gene. This nucleotide position is not well conserved in available vertebrate species. In silico splice site analysis predicts that this alteration will not have any significant effect on splicing. Since supporting evidence is limited at this time, the clinical significance of this alteration remains unclear.